The following is an entry in ClinVar:

NM_020923.3(ZDBF2):c.1798G>A (p.Val600Ile)

Gene: ZDBF2 (zinc finger DBF-type containing 2; plus strand). Cytogenetic location: 2q33.3.
Variant type: single nucleotide variant.
Coding change: c.1798G>A on transcript NM_020923.3 (MANE Select); coding-DNA position 1798, G replaced by A.
Protein change: p.Val600Ile; replaces valine 600 with isoleucine.
Molecular consequence: missense variant.
Genome position (GRCh38, 1-based): chr2:206,306,326, G>A. VCF-style: chr2-206306326-G-A. GRCh37 (hg19) VCF-style: chr2-207171050-G-A.
Other names: c.1792G>A, p.Val598Ile (NM_001285549.2); c.1798G>A, p.Val600Ile (NM_001369654.1); c.1798G>A (NM_020923.1); short protein forms V598I, V600I.
Identifiers: ClinVar variation 2045683 (VCV002045683.5), dbSNP rs192447754, ClinGen allele CA2071918.
Genomic context (GRCh38, chr2:206,306,326, plus strand): 5'-GAAACAAGTTTTGATTGTGATGTTTCTCTTGAGTCAGTAGTTGATCATCCCCAACTGACT[G>A]TCAAAGGAAGAAACCTGAAAGGTAGACAAGTCCACCTAAAACATAAGAAGCGTAAACCCA-3'
Protein context (NP_065974.1, residues 590-610): ESVVDHPQLT[Val600Ile]KGRNLKGRQV

ClinVar aggregate classification (germline): Uncertain significance. Review status: criteria provided, multiple submitters, no conflicts (2 of 4 stars). 2 submissions from 2 submitters: Uncertain significance (2). Last evaluated 2024-12-06.

Allele frequency attached by ClinVar (database versions not stated): 1000 Genomes Project 30x 0.00031; 1000 Genomes Project 0.00020; ESP Exome Variant Server 0.00117; gnomAD exomes 0.00140; gnomAD 0.00094; ExAC 0.00120; TOPMed 0.00129.
gnomAD v4.1: 2,237 of 1,613,704 alleles (0.14%); highest among the groups gnomAD compares: Middle Eastern, 0.31%; 12 homozygotes.

Submissions (2):

Ambry Genetics
Classification: Uncertain significance. Last evaluated: 2024-12-06. Review status: criteria provided, single submitter. Criteria: Ambry Variant Classification Scheme 2023. Collection method: clinical testing. Allele origin: germline.

Labcorp Genetics (formerly Invitae), Labcorp
Classification: Uncertain significance. Last evaluated: 2023-12-09. Review status: criteria provided, single submitter. Criteria: Invitae Variant Classification Sherloc (09022015). Collection method: clinical testing. Allele origin: germline.
Comment: This sequence change replaces valine, which is neutral and non-polar, with isoleucine, which is neutral and non-polar, at codon 600 of the ZDBF2 protein (p.Val600Ile). This variant is present in population databases (rs192447754, gnomAD 0.2%), and has an allele count higher than expected for a pathogenic variant. This variant has not been reported in the literature in individuals affected with ZDBF2-related conditions. ClinVar contains an entry for this variant (Variation ID: 2045683). An algorithm developed to predict the effect of missense changes on protein structure and function (PolyPhen-2) suggests that this variant is likely to be tolerated. In summary, the available evidence is currently insufficient to determine the role of this variant in disease. Therefore, it has been classified as a Variant of Uncertain Significance.